The following is an entry in ClinVar:

ClinVar aggregate classification (germline): Uncertain significance. Review status: criteria provided, multiple submitters, no conflicts (2 of 4 stars). 4 submissions from 4 submitters: Uncertain significance (4). Last evaluated 2026-02-12.

Conditions:
Inborn genetic diseases. Identifiers: MedGen C0950123, MeSH D030342.

Allele frequency attached by ClinVar (database versions not stated): TOPMed 0.00002.

Submissions (4):

GeneDx
Classification: Uncertain significance. Last evaluated: 2026-02-12. Review status: criteria provided, single submitter. Criteria: GeneDx Variant Classification Process June 2021. Collection method: clinical testing. Allele origin: germline.
Comment: In silico analysis suggests that this missense variant does not alter protein structure/function; Has not been previously published as pathogenic or benign to our knowledge

Ambry Genetics
Classification: Uncertain significance for Inborn genetic diseases. Last evaluated: 2024-04-04. Review status: criteria provided, single submitter. Criteria: Ambry Variant Classification Scheme 2023. Collection method: clinical testing. Allele origin: germline.

Blueprint Genetics
Classification: Uncertain significance. Last evaluated: 2023-03-03. Review status: criteria provided, single submitter. Criteria: ACMG Guidelines, 2015. Collection method: clinical testing. Allele origin: germline.

Laboratory for Molecular Medicine, Mass General Brigham Personalized Medicine
Classification: Uncertain significance. Last evaluated: 2013-01-25. Review status: criteria provided, single submitter. Criteria: LMM Criteria. Collection method: clinical testing. Allele origin: germline. Observed: 1 variant allele.
Comment: The His322Gln variant in TJP2 has not been reported in the literature nor previo usly identified by our laboratory. Computational analyses (biochemical amino aci d properties, conservation, AlignGVGD, PolyPhen2, and SIFT) do not provide stron g support for or against an impact to the protein. In summary, additional data i s needed to determine the clinical significance of this variant.

NM_004817.4(TJP2):c.1035C>A (p.His345Gln)

Gene: TJP2 (tight junction protein 2; plus strand). Cytogenetic location: 9q21.11.
Variant type: single nucleotide variant.
Coding change: c.1035C>A on transcript NM_004817.4 (MANE Select); coding-DNA position 1035, C replaced by A.
Protein change: p.His345Gln; replaces histidine 345 with glutamine.
Molecular consequence: missense variant.
Genome position (GRCh38, 1-based): chr9:69,225,386, C>A. VCF-style: chr9-69225386-C-A. GRCh37 (hg19) VCF-style: chr9-71840302-C-A.
Other names: c.966C>A, p.His322Gln (NM_001170414.2, NM_001369870.1, NM_001369871.1); c.1047C>A, p.His349Gln (NM_001170415.1, NM_001369874.1, NM_001369875.1); c.1128C>A, p.His376Gln (NM_001170416.2); c.1035C>A, p.His345Gln (NM_001369872.1, NM_001369873.1, NM_201629.3); c.1035C>A (NM_004817.3); short protein forms H345Q, H322Q, H349Q, H376Q.
Identifiers: ClinVar variation 44103 (VCV000044103.8), dbSNP rs144213955, ClinGen allele CA133576.